The following is an entry in ClinVar:

ClinVar aggregate classification (germline): Conflicting classifications of pathogenicity. Review status: criteria provided, conflicting classifications (1 of 4 stars). 5 submissions from 5 submitters: Uncertain significance (2); Likely benign (3). Last evaluated 2026-05-01.

Conditions:
Inborn genetic diseases. Identifiers: MedGen C0950123, MeSH D030342.
Intellectual developmental disorder, autosomal dominant 56. Also called: Intellectual disability, autosomal dominant 56; MENTAL RETARDATION, AUTOSOMAL DOMINANT 56. Identifiers: MedGen C4693389, MONDO:0030922, OMIM 617854.

Allele frequency attached by ClinVar (database versions not stated): gnomAD 0.00012 and 0.00013; ExAC 0.00013; gnomAD exomes 0.00010 and 0.00021; TOPMed 0.00010; ESP Exome Variant Server 0.00038.

Submissions (5):

CeGaT Center for Human Genetics Tuebingen
Classification: Likely benign. Last evaluated: 2026-05-01. Review status: criteria provided, single submitter. Criteria: CeGaT Center For Human Genetics Tuebingen Variant Classification Criteria Version 2. Collection method: clinical testing. Allele origin: germline. Affected: yes. Observed: 2 variant alleles.
Comment: CLTC: PP2, BS2

Labcorp Genetics (formerly Invitae), Labcorp
Classification: Uncertain significance. Last evaluated: 2026-01-28. Review status: criteria provided, single submitter. Criteria: Invitae Variant Classification Sherloc (09022015). Collection method: clinical testing. Allele origin: germline.
Comment: This sequence change replaces methionine, which is neutral and non-polar, with valine, which is neutral and non-polar, at codon 1596 of the CLTC protein (p.Met1596Val). This variant is present in population databases (rs143886947, gnomAD 0.02%). This variant has not been reported in the literature in individuals affected with CLTC-related conditions. ClinVar contains an entry for this variant (Variation ID: 1481466). Experimental studies and prediction algorithms are not available or were not evaluated, and the functional significance of this variant is currently unknown. In summary, the available evidence is currently insufficient to determine the role of this variant in disease. Therefore, it has been classified as a Variant of Uncertain Significance.

Blueprint Genetics
Classification: Likely benign. Last evaluated: 2024-08-16. Review status: criteria provided, single submitter. Criteria: ACMG Guidelines, 2015. Collection method: clinical testing. Allele origin: germline.

Revvity Omics, Revvity
Classification: Uncertain significance for Intellectual developmental disorder, autosomal dominant 56. Last evaluated: 2021-12-20. Review status: criteria provided, single submitter. Criteria: ACMG Guidelines, 2015. Collection method: clinical testing. Allele origin: germline.

Ambry Genetics
Classification: Likely benign for Inborn genetic diseases. Last evaluated: 2021-09-16. Review status: criteria provided, single submitter. Criteria: Ambry Variant Classification Scheme 2023. Collection method: clinical testing. Allele origin: germline.

NM_004859.4(CLTC):c.4774A>G (p.Met1592Val)

Gene: CLTC (clathrin heavy chain; plus strand). Cytogenetic location: 17q23.1.
Variant type: single nucleotide variant.
Coding change: c.4774A>G on transcript NM_004859.4 (MANE Select); coding-DNA position 4774, A replaced by G.
Protein change: p.Met1592Val; replaces methionine 1592 with valine.
Molecular consequence: missense variant.
Genome position (GRCh38, 1-based): chr17:59,685,755, A>G. VCF-style: chr17-59685755-A-G. GRCh37 (hg19) VCF-style: chr17-57763116-A-G.
Other names: c.4774A>G (NM_004859.3); c.4786A>G, p.Met1596Val (NM_001288653.2); c.4786A>G (NM_001288653.1); short protein forms M1592V, M1596V.
Identifiers: ClinVar variation 1481466 (VCV001481466.18), dbSNP rs143886947, ClinGen allele CA8681797.